The following is an entry in ClinVar:

ClinVar aggregate classification (germline): Uncertain significance. Review status: criteria provided, multiple submitters, no conflicts (2 of 4 stars). 2 submissions from 2 submitters: Uncertain significance (2). Last evaluated 2025-05-10.

Conditions:
Hereditary cancer-predisposing syndrome. Also called: Tumor predisposition; Hereditary neoplastic syndrome; Neoplastic Syndromes, Hereditary; Hereditary Cancer Syndrome. Identifiers: Orphanet 140162, MedGen C0027672, MeSH D009386, MONDO:0015356.

gnomAD v4.1: 2 of 1,614,240 alleles (0.00012%); highest among the groups gnomAD compares: Non-Finnish European, 0.00017%; no homozygotes.

Submissions (2):

Ambry Genetics
Classification: Uncertain significance for Hereditary cancer-predisposing syndrome. Last evaluated: 2025-05-10. Review status: criteria provided, single submitter. Criteria: Ambry Variant Classification Scheme 2023. Collection method: clinical testing. Allele origin: germline.
Comment: The p.I255L variant (also known as c.763A>C), located in coding exon 5 of the CTNNA1 gene, results from an A to C substitution at nucleotide position 763. The isoleucine at codon 255 is replaced by leucine, an amino acid with highly similar properties. This amino acid position is conserved. In addition, the in silico prediction for this alteration is inconclusive. Since supporting evidence is limited at this time, the clinical significance of this alteration remains unclear.

Labcorp Genetics (formerly Invitae), Labcorp
Classification: Uncertain significance. Last evaluated: 2024-11-15. Review status: criteria provided, single submitter. Criteria: Invitae Variant Classification Sherloc (09022015). Collection method: clinical testing. Allele origin: germline.
Comment: This sequence change replaces isoleucine, which is neutral and non-polar, with leucine, which is neutral and non-polar, at codon 255 of the CTNNA1 protein (p.Ile255Leu). This variant is not present in population databases (gnomAD no frequency). This variant has not been reported in the literature in individuals affected with CTNNA1-related conditions. ClinVar contains an entry for this variant (Variation ID: 1010179). Invitae Evidence Modeling of protein sequence and biophysical properties (such as structural, functional, and spatial information, amino acid conservation, physicochemical variation, residue mobility, and thermodynamic stability) indicates that this missense variant is not expected to disrupt CTNNA1 protein function with a negative predictive value of 80%. In summary, the available evidence is currently insufficient to determine the role of this variant in disease. Therefore, it has been classified as a Variant of Uncertain Significance.

NM_001903.5(CTNNA1):c.763A>C (p.Ile255Leu)

Gene: CTNNA1 (catenin alpha 1; plus strand). Cytogenetic location: 5q31.2.
Variant type: single nucleotide variant.
Coding change: c.763A>C on transcript NM_001903.5 (MANE Select); coding-DNA position 763, A replaced by C.
Protein change: p.Ile255Leu; replaces isoleucine 255 with leucine.
Molecular consequence: missense variant.
Genome position (GRCh38, 1-based): chr5:138,824,704, A>C. VCF-style: chr5-138824704-A-C. GRCh37 (hg19) VCF-style: chr5-138160393-A-C.
Other names: c.763A>C, p.Ile255Leu (NM_001290307.3, NM_001323982.2, NM_001323983.1 and 3 more transcripts); c.454A>C, p.Ile152Leu (NM_001290309.3); c.394A>C, p.Ile132Leu (NM_001290310.3); c.763A>C (NM_001903.2); short protein forms I132L, I152L, I255L.
Identifiers: ClinVar variation 1010179 (VCV001010179.13), dbSNP rs1760463089, ClinGen allele CA361129954.